The following is an entry in ClinVar:

NM_198271.5(LMOD3):c.1460T>C (p.Val487Ala)

Gene: LMOD3 (leiomodin 3; minus strand). Cytogenetic location: 3p14.1.
Variant type: single nucleotide variant.
Coding change: c.1460T>C on transcript NM_198271.5 (MANE Select); coding-DNA position 1460, T replaced by C.
Protein change: p.Val487Ala; replaces valine 487 with alanine.
Molecular consequence: missense variant.
Genome position (GRCh38, 1-based): chr3:69,118,895, A>G on the plus strand (T>C on the coding strand, the complement: LMOD3 is on the minus strand). VCF-style: chr3-69118895-A-G. GRCh37 (hg19) VCF-style: chr3-69168046-A-G.
Other names: c.1460T>C, p.Val487Ala (NM_001304418.3); c.1460T>C (NM_198271.3); short protein forms V487A.
Identifiers: ClinVar variation 475306 (VCV000475306.33), dbSNP rs745318870, ClinGen allele CA2488770.

ClinVar aggregate classification (germline): Uncertain significance. Review status: criteria provided, multiple submitters, no conflicts (2 of 4 stars). 3 submissions from 3 submitters: Uncertain significance (3). Last evaluated 2025-11-05.

Conditions:
Nemaline myopathy 10 (NEM10). Identifiers: MedGen C4015360, MONDO:0014513, OMIM 616165.
Inborn genetic diseases. Identifiers: MedGen C0950123, MeSH D030342.

Allele frequency attached by ClinVar (database versions not stated): gnomAD 0.00001; gnomAD exomes 0.00002; ExAC 0.00003; TOPMed 0.00003.

Submissions (3):

Ambry Genetics
Classification: Uncertain significance for Inborn genetic diseases. Last evaluated: 2025-11-05. Review status: criteria provided, single submitter. Criteria: Ambry Variant Classification Scheme 2023. Collection method: clinical testing. Allele origin: germline.

Labcorp Genetics (formerly Invitae), Labcorp
Classification: Uncertain significance for Nemaline myopathy 10. Last evaluated: 2024-06-19. Review status: criteria provided, single submitter. Criteria: Invitae Variant Classification Sherloc (09022015). Collection method: clinical testing. Allele origin: germline.
Comment: This sequence change replaces valine, which is neutral and non-polar, with alanine, which is neutral and non-polar, at codon 487 of the LMOD3 protein (p.Val487Ala). This variant is present in population databases (rs745318870, gnomAD 0.005%). This variant has not been reported in the literature in individuals affected with LMOD3-related conditions. ClinVar contains an entry for this variant (Variation ID: 475306). An algorithm developed to predict the effect of missense changes on protein structure and function (PolyPhen-2) suggests that this variant is likely to be tolerated. In summary, the available evidence is currently insufficient to determine the role of this variant in disease. Therefore, it has been classified as a Variant of Uncertain Significance.

CeGaT Center for Human Genetics Tuebingen
Classification: Uncertain significance. Last evaluated: 2022-11-01. Review status: criteria provided, single submitter. Criteria: CeGaT Center For Human Genetics Tuebingen Variant Classification Criteria Version 2. Collection method: clinical testing. Allele origin: germline. Affected: yes. Observed: 1 variant allele.
Comment: LMOD3: PM2, BP4